The following is an entry in ClinVar:

NM_033380.3(COL4A5):c.3971G>A (p.Gly1324Glu)

Gene: COL4A5 (collagen type IV alpha 5 chain; plus strand). Cytogenetic location: Xq22.3.
Variant type: single nucleotide variant.
Coding change: c.3971G>A on transcript NM_033380.3 (MANE Select); coding-DNA position 3971, G replaced by A.
Protein change: p.Gly1324Glu; replaces glycine 1324 with glutamic acid.
Molecular consequence: missense variant.
Genome position (GRCh38, 1-based): chrX:108,680,707, G>A. VCF-style: chrX-108680707-G-A. GRCh37 (hg19) VCF-style: chrX-107923937-G-A.
Other names: c.3953G>A, p.Gly1318Glu (NM_000495.5); short protein forms G1324E, G1318E.
Identifiers: ClinVar variation 3730354 (VCV003730354.2).

ClinVar aggregate classification (germline): Likely pathogenic (1 of 4 stars; one submission).

gnomAD v4.1: 1 of 1,210,645 alleles (0.000083%); highest among the groups gnomAD compares: Non-Finnish European, 0.00011%; no homozygotes.

Submission:

Labcorp Genetics (formerly Invitae), Labcorp
Classification: Likely pathogenic. Last evaluated: 2024-07-12. Review status: criteria provided, single submitter. Criteria: Invitae Variant Classification Sherloc (09022015). Collection method: clinical testing. Allele origin: germline.
Comment: This sequence change replaces glycine, which is neutral and non-polar, with glutamic acid, which is acidic and polar, at codon 1318 of the COL4A5 protein (p.Gly1318Glu). This variant is present in population databases (rs763752257, gnomAD 0.001%). This variant has not been reported in the literature in individuals affected with COL4A5-related conditions. Advanced modeling of protein sequence and biophysical properties (such as structural, functional, and spatial information, amino acid conservation, physicochemical variation, residue mobility, and thermodynamic stability) performed at Invitae indicates that this missense variant is expected to disrupt COL4A5 protein function with a positive predictive value of 95%. This variant disrupts the triple helix domain of COL4A5. Glycine residues within the Gly-Xaa-Yaa repeats of the triple helix domain are required for the structure and stability of fibrillar collagens (PMID: 7695699, 8218237, 19344236). In COL4A5, missense variants at these glycine residues are significantly enriched in individuals with disease (PMID: 23720012, 27627812) compared to the general population (ExAC). In summary, the currently available evidence indicates that the variant is pathogenic, but additional data are needed to prove that conclusively. Therefore, this variant has been classified as Likely Pathogenic.

Literature cited by the submitters: PubMed 7695699; PubMed 8218237; PubMed 19344236; PubMed 23720012; PubMed 27627812.